The following is an entry in ClinVar:

NM_000053.4(ATP7B):c.847del (p.Leu282_Leu283insTer)

Gene: ATP7B (ATPase copper transporting beta; minus strand). Cytogenetic location: 13q14.3.
Variant type: Deletion.
Coding change: c.847del on transcript NM_000053.4 (MANE Select); coding-DNA position 847, one base deleted (C; older notation c.847delC).
Protein change: p.Leu282_Leu283insTer.
Molecular consequence: nonsense. On other transcripts: intron variant (2).
Genome position (GRCh38, 1-based): chr13:51,974,373, G deleted on the plus strand (C on the coding strand, the reverse complement: ATP7B is on the minus strand); the first of 2 consecutive G bases (chr13:51,974,373-51,974,374); deleting either gives the same sequence. VCF-style (leftmost placement, unchanged base first): chr13-51974372-AG-A. GRCh37 (hg19) VCF-style: chr13-52548508-AG-A.
Other names: c.847del, p.Leu282_Leu283insTer (NM_001406524.1, NM_001406525.1, NM_001406526.1 and 29 more transcripts); c.751del, p.Leu250_Leu251insTer (NM_001406530.1, NM_001406536.1, NM_001406543.1 and 3 more transcripts); c.802+45del (NM_001243182.2); c.706+45del (NM_001406539.1).
Identifiers: ClinVar variation 4757764 (VCV004757764.1).

ClinVar aggregate classification (germline): Pathogenic (1 of 4 stars; one submission).

Conditions:
Wilson disease (WND). Also called: Wilson's disease. Identifiers: Orphanet 905, MedGen C0019202, MONDO:0010200, OMIM 277900. Disease mechanism: loss of function.

Submission:

Color Diagnostics, LLC DBA Color Health
Classification: Pathogenic for Wilson disease. Last evaluated: 2025-07-18. Review status: criteria provided, single submitter. Criteria: ACMG Guidelines, 2015. Collection method: clinical testing. Allele origin: germline.
Comment: This variant deletes 1 nucleotide in exon 2 of the ATP7B gene, creating a frameshift and premature translation stop signal. This variant is expected to result in an absent or non-functional protein product. This variant has been reported in individuals affected with Wilson disease (PMID: 7762553). This variant has not been identified in the general population by the Genome Aggregation Database (gnomAD). Loss of ATP7B function is a known mechanism of disease. Based on the available evidence, this variant is classified as Pathogenic.

Literature cited by the submitters: PubMed 7762553.